The following is an entry in ClinVar:

NM_181741.4(ORC4):c.166C>G (p.Leu56Val)

Gene: ORC4 (origin recognition complex subunit 4; minus strand). Cytogenetic location: 2q23.1.
Variant type: single nucleotide variant.
Coding change: c.166C>G on transcript NM_181741.4 (MANE Select); coding-DNA position 166, C replaced by G.
Protein change: p.Leu56Val; replaces leucine 56 with valine.
Molecular consequence: missense variant. On other transcripts: 5 prime UTR variant (2), intron variant (1).
Genome position (GRCh38, 1-based): chr2:147,972,798, G>C on the plus strand (C>G on the coding strand, the complement: ORC4 is on the minus strand). VCF-style: chr2-147972798-G-C. GRCh37 (hg19) VCF-style: chr2-148730367-G-C.
Other names: c.166C>G, p.Leu56Val (NM_001190879.3, NM_001374270.1, NM_002552.5 and 1 more transcripts); c.-57C>G (NM_001190882.3); c.-152C>G (NM_001374272.1); c.-27-13932C>G (NM_001190881.3); short protein forms L56V.
Identifiers: ClinVar variation 159482 (VCV000159482.23), dbSNP rs2307397, ClinGen allele CA172922.

ClinVar aggregate classification (germline): Benign. Review status: criteria provided, multiple submitters, no conflicts (2 of 4 stars). 7 submissions from 7 submitters: Benign (4). 3 of the submissions do not count toward it. Last evaluated 2026-02-01.

Allele frequency attached by ClinVar (database versions not stated): gnomAD exomes 0.03697; ExAC 0.03809; ESP Exome Variant Server 0.03960; 1000 Genomes Project 30x 0.01686; 1000 Genomes Project 0.01717; gnomAD 0.03380 and 0.03439; TOPMed 0.03582.
gnomAD v4.1: 73,195 of 1,610,564 alleles (4.5%); highest among the groups gnomAD compares: Middle Eastern, 6.1%; 1,929 homozygotes.

Submissions (7):

Labcorp Genetics (formerly Invitae), Labcorp
Classification: Benign. Last evaluated: 2026-02-01. Review status: criteria provided, single submitter. Criteria: Invitae Variant Classification Sherloc (09022015). Collection method: clinical testing. Allele origin: germline.

GeneDx
Classification: Benign. Last evaluated: 2018-07-09. Review status: criteria provided, single submitter. Criteria: GeneDx Variant Classification Process June 2021. Collection method: clinical testing. Allele origin: germline. Affected: yes.

Laboratory for Molecular Medicine, Mass General Brigham Personalized Medicine
Classification: Benign. Last evaluated: 2016-03-28. Review status: criteria provided, single submitter. Criteria: LMM Criteria. Collection method: clinical testing. Allele origin: germline.
Comment: Variant identified in a genome or exome case(s) and assessed due to predicted null impact of the variant or pathogenic assertions in the literature or databases. Disclaimer: This variant has not undergone full assessment. The following are preliminary notes: Frequency

Breakthrough Genomics
Classification: Benign. Review status: criteria provided, single submitter. Criteria: ACMG Guidelines, 2015. Collection method: not provided. Allele origin: germline. Inheritance: Autosomal recessive inheritance. Affected: yes.

Genetic Services Laboratory, University of Chicago
Classification: Likely benign. Review status: no assertion criteria provided. Collection method: clinical testing. Allele origin: germline. Inheritance: Autosomal recessive inheritance. Not counted in ClinVar's aggregate classification.
Comment: Likely benign based on allele frequency in 1000 Genomes Project or ESP global frequency and its presence in a patient with a rare or unrelated disease phenotype. NOT Sanger confirmed

Joint Genome Diagnostic Labs from Nijmegen and Maastricht, Radboudumc and MUMC+
Classification: Benign. Review status: no assertion criteria provided. Collection method: clinical testing. Allele origin: germline. Affected: yes. Study: VKGL Data-share Consensus. Not counted in ClinVar's aggregate classification.

Laboratory of Diagnostic Genome Analysis, Leiden University Medical Center (LUMC)
Classification: Likely benign. Review status: no assertion criteria provided. Collection method: clinical testing. Allele origin: germline. Affected: yes. Study: VKGL Data-share Consensus. Not counted in ClinVar's aggregate classification.